The following is an entry in ClinVar:

ClinVar aggregate classification (germline): Uncertain significance (1 of 4 stars; one submission).

Submission:

GeneDx
Classification: Uncertain significance. Last evaluated: 2025-08-15. Review status: criteria provided, single submitter. Criteria: GeneDx Variant Classification Process June 2021. Collection method: clinical testing. Allele origin: germline. Affected: yes.
Comment: Not observed at significant frequency in large population cohorts (gnomAD); In silico analysis suggests that this missense variant does not alter protein structure/function; Has not been previously published as pathogenic or benign to our knowledge

NM_139318.5(KCNH5):c.1437C>A (p.Asn479Lys)

Gene: KCNH5 (potassium voltage-gated channel subfamily H member 5; minus strand). Cytogenetic location: 14q23.2.
Variant type: single nucleotide variant.
Coding change: c.1437C>A on transcript NM_139318.5 (MANE Select); coding-DNA position 1437, C replaced by A.
Protein change: p.Asn479Lys; replaces asparagine 479 with lysine.
Molecular consequence: missense variant.
Genome position (GRCh38, 1-based): chr14:62,849,785, G>T on the plus strand (C>A on the coding strand, the complement: KCNH5 is on the minus strand). VCF-style: chr14-62849785-G-T. GRCh37 (hg19) VCF-style: chr14-63316503-G-T.
Other names: c.1437C>A, p.Asn479Lys (NM_172375.3); short protein forms N479K.
Identifiers: ClinVar variation 4795572 (VCV004795572.1).